The following is an entry in ClinVar:

NM_001164760.2(PRKAR1B):c.181G>A (p.Glu61Lys)

Gene: PRKAR1B (protein kinase cAMP-dependent type I regulatory subunit beta; minus strand). Cytogenetic location: 7p22.3.
Variant type: single nucleotide variant.
Coding change: c.181G>A on transcript NM_001164760.2 (MANE Select); coding-DNA position 181, G replaced by A.
Protein change: p.Glu61Lys; replaces glutamic acid 61 with lysine.
Molecular consequence: missense variant.
Genome position (GRCh38, 1-based): chr7:680,723, C>T on the plus strand (G>A on the coding strand, the complement: PRKAR1B is on the minus strand). VCF-style: chr7-680723-C-T. GRCh37 (hg19) VCF-style: chr7-720360-C-T.
Other names: c.181G>A, p.Glu61Lys (NM_001164758.2, NM_001164759.1, NM_001164761.2 and 2 more transcripts); short protein forms E61K.
Identifiers: ClinVar variation 2507154 (VCV002507154.1), dbSNP rs1308812960, ClinGen allele CA366533190.

ClinVar aggregate classification (germline): Uncertain significance (1 of 4 stars; one submission).

Allele frequency attached by ClinVar (database versions not stated): gnomAD exomes below 0.00001.

Submission:

GeneDx
Classification: Uncertain significance. Last evaluated: 2022-12-28. Review status: criteria provided, single submitter. Criteria: GeneDx Variant Classification Process June 2021. Collection method: clinical testing. Allele origin: germline. Affected: yes.
Comment: In silico analysis supports that this missense variant does not alter protein structure/function; Has not been previously published as pathogenic or benign to our knowledge